The following is an entry in ClinVar:

NM_201384.3(PLEC):c.9943A>G (p.Ser3315Gly)

Gene: PLEC (plectin; minus strand). Cytogenetic location: 8q24.3.
Variant type: single nucleotide variant.
Coding change: c.9943A>G on transcript NM_201384.3 (MANE Select); coding-DNA position 9943, A replaced by G.
Protein change: p.Ser3315Gly; replaces serine 3315 with glycine.
Molecular consequence: missense variant.
Genome position (GRCh38, 1-based): chr8:143,919,878, T>C on the plus strand (A>G on the coding strand, the complement: PLEC is on the minus strand). VCF-style: chr8-143919878-T-C. GRCh37 (hg19) VCF-style: chr8-144994046-T-C.
Other names: c.10024A>G, p.Ser3342Gly (NM_000445.5); c.6643A>G, p.Ser2215Gly (NM_001410941.1); c.9901A>G, p.Ser3301Gly (NM_201378.4); c.9877A>G, p.Ser3293Gly (NM_201379.3); c.10354A>G, p.Ser3452Gly (NM_201380.4); c.9847A>G, p.Ser3283Gly (NM_201381.3); c.9943A>G, p.Ser3315Gly (NM_201382.4); c.9955A>G, p.Ser3319Gly (NM_201383.3); short protein forms S2215G, S3283G, S3293G, S3301G, S3315G, S3319G, S3342G, S3452G.
Identifiers: ClinVar variation 3751982 (VCV003751982.2).

ClinVar aggregate classification (germline): Uncertain significance (1 of 4 stars; one submission).

Conditions:
Epidermolysis bullosa simplex with nail dystrophy (EBS5D). Identifiers: MedGen C4225309, MONDO:0014661, OMIM 616487.
Epidermolysis bullosa simplex, Ogna type (EBS5A). Also called: Pidermolysis bullosa simplex 5A, Ogna type; EPIDERMOLYSIS BULLOSA SIMPLEX 5A, OGNA TYPE. Identifiers: Orphanet 79401, MedGen C0432317, MONDO:0007555, OMIM 131950.
Autosomal recessive limb-girdle muscular dystrophy type 2Q (LGMDR17). Also called: MUSCULAR DYSTROPHY, LIMB-GIRDLE, AUTOSOMAL RECESSIVE 17. Identifiers: Orphanet 254361, MedGen C3150989, MONDO:0013390, OMIM 613723.
Epidermolysis bullosa simplex 5B, with muscular dystrophy (EBS5B). Also called: EPIDERMOLYSIS BULLOSA SIMPLEX AND LIMB-GIRDLE MUSCULAR DYSTROPHY; Epidermolysis bullosa simplex with muscular dystrophy. Identifiers: Orphanet 257, MedGen C2931072, MONDO:0009181, OMIM 226670.
Epidermolysis bullosa simplex 5C, with pyloric atresia (EBS5C). Also called: PLEC-Related Epidermolysis Bullosa with Pyloric Atresia; Epidermolysis bullosa simplex with pyloric atresia; PLEC1-Related Epidermolysis Bullosa with Pyloric Atresia. Identifiers: Orphanet 158684, MedGen C2677349, MONDO:0012807, OMIM 612138.

gnomAD v4.1: 7 of 1,613,184 alleles (0.00043%); highest among the groups gnomAD compares: East Asian, 0.013%; no homozygotes.

Submission:

Labcorp Genetics (formerly Invitae), Labcorp
Classification: Uncertain significance for Autosomal recessive limb-girdle muscular dystrophy type 2Q; Epidermolysis bullosa simplex, Ogna type; Epidermolysis bullosa simplex with nail dystrophy; Epidermolysis bullosa simplex 5C, with pyloric atresia; Epidermolysis bullosa simplex 5B, with muscular dystrophy. Last evaluated: 2024-05-06. Review status: criteria provided, single submitter. Criteria: Invitae Variant Classification Sherloc (09022015). Collection method: clinical testing. Allele origin: germline.
Comment: This sequence change replaces serine, which is neutral and polar, with glycine, which is neutral and non-polar, at codon 3342 of the PLEC protein (p.Ser3342Gly). This variant is present in population databases (no rsID available, gnomAD 0.03%). This variant has not been reported in the literature in individuals affected with PLEC-related conditions. An algorithm developed to predict the effect of missense changes on protein structure and function (PolyPhen-2) suggests that this variant is likely to be tolerated. In summary, the available evidence is currently insufficient to determine the role of this variant in disease. Therefore, it has been classified as a Variant of Uncertain Significance.